The following is an entry in ClinVar:

ClinVar aggregate classification (germline): Pathogenic/Likely pathogenic. Review status: criteria provided, multiple submitters, no conflicts (2 of 4 stars). 2 submissions from 2 submitters: Pathogenic (1); Likely pathogenic (1). Last evaluated 2022-11-21.

Conditions:
Kabuki syndrome. Also called: Kabuki make-up syndrome; NIIKAWA-KUROKI SYNDROME. Identifiers: Orphanet 2322, MedGen C0796004, MONDO:0016512.
KMT2D-related disorder. Also called: KMT2D-Related Disorders.

Submissions (2):

PreventionGenetics, part of Exact Sciences
Classification: Likely pathogenic for KMT2D-related condition. Last evaluated: 2022-11-21. Review status: criteria provided, single submitter. Criteria: ACMG Guidelines, 2015. Collection method: clinical testing. Allele origin: germline.
Comment: The KMT2D c.15171G>A variant is predicted to result in premature protein termination (p.Trp5057*). To our knowledge, this variant has not been reported in the literature or in a large population database, indicating this variant is rare. Nonsense variants in KMT2D are expected to be pathogenic. This variant is interpreted as likely pathogenic.

Labcorp Genetics (formerly Invitae), Labcorp
Classification: Pathogenic for Kabuki syndrome. Last evaluated: 2019-11-20. Review status: criteria provided, single submitter. Criteria: Invitae Variant Classification Sherloc (09022015). Collection method: clinical testing. Allele origin: germline.
Comment: For these reasons, this variant has been classified as Pathogenic. Loss-of-function variants in KMT2D are known to be pathogenic (PMID: 22126750). Algorithms developed to predict the effect of sequence changes on RNA splicing suggest that this variant may create or strengthen a splice site, but this prediction has not been confirmed by published transcriptional studies. This variant has not been reported in the literature in individuals with KMT2D-related conditions. This variant is not present in population databases (ExAC no frequency). This sequence change creates a premature translational stop signal (p.Trp5057*) in the KMT2D gene. It is expected to result in an absent or disrupted protein product.

Literature cited by the submitters: PubMed 22126750 (cited by Labcorp Genetics (formerly Invitae), Labcorp).

NM_003482.4(KMT2D):c.15171G>A (p.Trp5057Ter)

Gene: KMT2D (lysine methyltransferase 2D; minus strand). Cytogenetic location: 12q13.12.
Variant type: single nucleotide variant.
Coding change: c.15171G>A on transcript NM_003482.4 (MANE Select); coding-DNA position 15171, G replaced by A.
Protein change: p.Trp5057Ter; replaces tryptophan 5057 with a stop codon.
Molecular consequence: nonsense.
Genome position (GRCh38, 1-based): chr12:49,026,795, C>T on the plus strand (G>A on the coding strand, the complement: KMT2D is on the minus strand). VCF-style: chr12-49026795-C-T. GRCh37 (hg19) VCF-style: chr12-49420578-C-T.
Other names: short protein forms W5057*.
Identifiers: ClinVar variation 844389 (VCV000844389.8), dbSNP rs1942616266, ClinGen allele CA384689428.
Genomic context (GRCh38, chr12:49,026,795, plus strand): 5'-CAGTGCCCCGCCCTGGGTCTCATACACCTCCGTGGACCAAAGGGCACAGTTGAGGTGCAC[C>T]CACAGGTCCAGGTCCAGGTTCAGCAGACGGGCAGGCCCATCAGTGGCCCCGTCACCCTCC-3'